The following is an entry in ClinVar:

ClinVar aggregate classification (germline): Uncertain significance (1 of 4 stars; one submission).

Submission:

GeneDx
Classification: Uncertain significance. Last evaluated: 2026-08-25. Review status: criteria provided, single submitter. Criteria: GeneDx Variant Classification Process June 2021. Collection method: clinical testing. Allele origin: germline.
Comment: Not observed at significant frequency in large population cohorts (gnomAD); In silico analysis suggests that this missense variant does not alter protein structure/function; Has not been previously published as pathogenic or benign to our knowledge

NM_004046.6(ATP5F1A):c.73G>T (p.Ala25Ser)

Gene: ATP5F1A (ATP synthase F1 subunit alpha; minus strand). Cytogenetic location: 18q21.1.
Variant type: single nucleotide variant.
Coding change: c.73G>T on transcript NM_004046.6 (MANE Select); coding-DNA position 73, G replaced by T.
Protein change: p.Ala25Ser; replaces alanine 25 with serine.
Molecular consequence: missense variant. On other transcripts: 5 prime UTR variant (2).
Genome position (GRCh38, 1-based): chr18:46,095,119, C>A on the plus strand (G>T on the coding strand, the complement: ATP5F1A is on the minus strand). VCF-style: chr18-46095119-C-A. GRCh37 (hg19) VCF-style: chr18-43675085-C-A.
Other names: c.-151G>T (NM_001001935.3); c.73G>T, p.Ala25Ser (NM_001001937.2, NM_001257334.2); c.-78G>T (NM_001257335.2); short protein forms A25S.
Identifiers: ClinVar variation 3893585 (VCV003893585.2).